The following is an entry in ClinVar:

NM_000124.4(ERCC6):c.2224_2233del (p.Leu742fs)

Gene: ERCC6 (ERCC excision repair 6, chromatin remodeling factor; minus strand). Cytogenetic location: 10q11.23.
Variant type: Deletion.
Coding change: c.2224_2233del on transcript NM_000124.4 (MANE Select); coding-DNA positions 2224 to 2233, 10 bases deleted (CTACTGCGGA; older notation c.2224_2233delCTACTGCGGA).
Protein change: p.Leu742fs; shifts the reading frame from leucine 742.
Molecular consequence: frameshift variant.
Genome position (GRCh38, 1-based): chr10:49,478,407-49,478,416, TCCGCAGTAG deleted on the plus strand (CTACTGCGGA on the coding strand, the reverse complement: ERCC6 is on the minus strand). VCF-style (leftmost placement, unchanged base first): chr10-49478406-CTCCGCAGTAG-C. GRCh37 (hg19) VCF-style: chr10-50686452-CTCCGCAGTAG-C.
Other names: c.2224_2233del, p.Leu742fs (NM_001346440.2); short protein forms L742fs.
Identifiers: ClinVar variation 2826758 (VCV002826758.3), dbSNP rs2495995968, ClinGen allele CA2739265369.
Genomic context (GRCh38, chr10:49,478,406, plus strand): 5'-TTACAGACCTGTTCATTTTTATCTGGCAAAGAAAGGCTCATCTTGACATCTGACTTCATT[CTCCGCAGTAG>C]GTATGGATTTATGGTATCTCGTAAGACACATGCACACTTGTAAGCAGTTTTGACCTTTAA-3'

ClinVar aggregate classification (germline): Pathogenic (1 of 4 stars; one submission).

Submission:

Labcorp Genetics (formerly Invitae), Labcorp
Classification: Pathogenic. Last evaluated: 2023-01-07. Review status: criteria provided, single submitter. Criteria: Invitae Variant Classification Sherloc (09022015). Collection method: clinical testing. Allele origin: germline.
Comment: For these reasons, this variant has been classified as Pathogenic. Algorithms developed to predict the effect of sequence changes on RNA splicing suggest that this variant may disrupt the consensus splice site. This variant has not been reported in the literature in individuals affected with ERCC6-related conditions. This variant is not present in population databases (gnomAD no frequency). This sequence change creates a premature translational stop signal (p.Leu742Glufs*2) in the ERCC6 gene. It is expected to result in an absent or disrupted protein product. Loss-of-function variants in ERCC6 are known to be pathogenic (PMID: 18628313, 29572252).

Literature cited by the submitters: PubMed 18628313; PubMed 29572252.